The following is an entry in ClinVar:

ClinVar aggregate classification (germline): Conflicting classifications of pathogenicity. Review status: criteria provided, conflicting classifications (1 of 4 stars). 6 submissions from 6 submitters: Uncertain significance (1); Benign (1); Likely benign (4). Last evaluated 2025-03-26.

Conditions:
Hereditary nonpolyposis colorectal neoplasms. Identifiers: MedGen C0009405, MeSH D003123.
Hereditary cancer-predisposing syndrome. Also called: Hereditary Cancer Syndrome; Hereditary neoplastic syndrome; Neoplastic Syndromes, Hereditary; Tumor predisposition. Identifiers: Orphanet 140162, MedGen C0027672, MeSH D009386, MONDO:0015356.
Lynch syndrome. Identifiers: Orphanet 144, MedGen C4552100, MONDO:0005835. Disease mechanism: loss of function.
Lynch syndrome 5 (LYNCH5). Also called: Hereditary non-polyposis colorectal cancer, type 5; Colorectal cancer, hereditary nonpolyposis, type 5. Identifiers: Orphanet 144, MedGen C1833477, MONDO:0013710, OMIM 614350. Disease mechanism: loss of function.

Allele frequency attached by ClinVar (database versions not stated): gnomAD exomes below 0.00001; ExAC 0.00001.
gnomAD v4.1: 1 of 1,607,914 alleles (0.000062%); highest among the groups gnomAD compares: South Asian, 0.0011%; no homozygotes.

Submissions (6):

Labcorp Genetics (formerly Invitae), Labcorp
Classification: Likely benign for Hereditary nonpolyposis colorectal neoplasms. Last evaluated: 2025-03-26. Review status: criteria provided, single submitter. Criteria: Invitae Variant Classification Sherloc (09022015). Collection method: clinical testing. Allele origin: germline.

Myriad Genetics, Inc.
Classification: Benign for Lynch syndrome 5. Last evaluated: 2024-12-17. Review status: criteria provided, single submitter. Criteria: Myriad Autosomal Dominant, Autosomal Recessive and X-Linked Classification Criteria (2023). Collection method: clinical testing. Allele origin: unknown.
Comment: This variant is considered benign. This variant is a silent/synonymous amino acid change and it is not expected to impact splicing.

All of Us Research Program, National Institutes of Health
Classification: Likely benign for Lynch syndrome. Last evaluated: 2024-07-10. Review status: criteria provided, single submitter. Criteria: ACMG Guidelines, 2015. Collection method: clinical testing. Allele origin: germline. Inheritance: Autosomal dominant inheritance. Observed: 1 variant allele, 1 heterozygote.
Comment: This study involves interpretation of variants in research participants for the purpose of population health screening. Participant phenotype was not available at the time of variant classification. Additional details can be found in publication PMID: 35346344, PMCID: PMC8962531

GeneDx
Classification: Uncertain significance. Last evaluated: 2024-06-03. Review status: criteria provided, single submitter. Criteria: GeneDx Variant Classification Process June 2021. Collection method: clinical testing. Allele origin: germline. Affected: yes.
Comment: Not observed at significant frequency in large population cohorts (gnomAD); In silico analysis indicates that this variant does not alter splicing; Has not been previously published as pathogenic or benign to our knowledge

Color Diagnostics, LLC DBA Color Health
Classification: Likely benign for Hereditary cancer-predisposing syndrome. Last evaluated: 2019-02-11. Review status: criteria provided, single submitter. Criteria: ACMG Guidelines, 2015. Collection method: clinical testing. Allele origin: germline.

Ambry Genetics
Classification: Likely benign for Hereditary cancer-predisposing syndrome. Last evaluated: 2017-08-31. Review status: criteria provided, single submitter. Criteria: Ambry Variant Classification Scheme 2023. Collection method: clinical testing. Allele origin: germline.

NM_000179.3(MSH6):c.120C>G (p.Ala40=)

Gene: MSH6 (mutS homolog 6; plus strand). Cytogenetic location: 2p16.3.
Variant type: single nucleotide variant.
Coding change: c.120C>G on transcript NM_000179.3 (MANE Select); coding-DNA position 120, C replaced by G.
Protein change: p.Ala40=; no amino-acid change (alanine 40 retained).
Molecular consequence: synonymous variant. On other transcripts: 5 prime UTR variant (1).
Genome position (GRCh38, 1-based): chr2:47,783,353, C>G. VCF-style: chr2-47783353-C-G. GRCh37 (hg19) VCF-style: chr2-48010492-C-G.
Other names: c.120C>G, p.Ala40= (NM_001281492.2); c.-617C>G (NM_001281493.2).
Identifiers: ClinVar variation 455123 (VCV000455123.17), dbSNP rs777101467, ClinGen allele CA067335.
Genomic context (GRCh38, chr2:47,783,353, plus strand): 5'-CAACAAGGCCTCGGCCAGGGCCTCACGCGAAGGCGGCCGTGCCGCCGCTGCCCCCGGGGC[C>G]TCTCCTTCCCCAGGCGGGGATGCGGCCTGGAGCGAGGCTGGGCCTGGGCCCAGGCCCTTG-3'
Protein context (NP_000170.1, residues 30-50): EGGRAAAAPG[Ala40=]SPSPGGDAAW